The following is an entry in ClinVar:

NM_000350.3(ABCA4):c.3377T>C (p.Leu1126Pro)

Gene: ABCA4 (ATP binding cassette subfamily A member 4; minus strand). Cytogenetic location: 1p22.1.
Variant type: single nucleotide variant.
Coding change: c.3377T>C on transcript NM_000350.3 (MANE Select); coding-DNA position 3377, T replaced by C.
Protein change: p.Leu1126Pro; replaces leucine 1126 with proline.
Molecular consequence: missense variant.
Genome position (GRCh38, 1-based): chr1:94,041,354, A>G on the plus strand (T>C on the coding strand, the complement: ABCA4 is on the minus strand). VCF-style: chr1-94041354-A-G. GRCh37 (hg19) VCF-style: chr1-94506910-A-G.
Other names: c.3155T>C, p.Leu1052Pro (NM_001425324.1); short protein forms L1126P, L1052P.
Identifiers: ClinVar variation 236101 (VCV000236101.9), dbSNP rs1047376, ClinGen allele CA10602437.

ClinVar aggregate classification (germline): Pathogenic. Review status: criteria provided, multiple submitters, no conflicts (2 of 4 stars). 2 submissions from 2 submitters: Pathogenic (2). Last evaluated 2025-02-06.

Conditions:
Retinal dystrophy. Also called: Inherited retinal dystrophy. Identifiers: Orphanet 71862, MedGen C0854723, MeSH D058499, MONDO:0019118, HP:0000556.

Allele frequency attached by ClinVar (database versions not stated): gnomAD exomes below 0.00001; TOPMed below 0.00001.
gnomAD v4.1: 1 of 1,614,154 alleles (0.000062%); highest among the groups gnomAD compares: Admixed American, 0.0017%; no homozygotes.

Submissions (2):

Labcorp Genetics (formerly Invitae), Labcorp
Classification: Pathogenic. Last evaluated: 2025-02-06. Review status: criteria provided, single submitter. Criteria: Invitae Variant Classification Sherloc (09022015). Collection method: clinical testing. Allele origin: germline.
Comment: This sequence change replaces leucine, which is neutral and non-polar, with proline, which is neutral and non-polar, at codon 1126 of the ABCA4 protein (p.Leu1126Pro). This variant is present in population databases (no rsID available, gnomAD 0.003%). This missense change has been observed in individuals with ABCA4-related conditions (PMID: 25066811, 28118664, 30576320). ClinVar contains an entry for this variant (Variation ID: 236101). Invitae Evidence Modeling of protein sequence and biophysical properties (such as structural, functional, and spatial information, amino acid conservation, physicochemical variation, residue mobility, and thermodynamic stability) indicates that this missense variant is expected to disrupt ABCA4 protein function with a positive predictive value of 95%. For these reasons, this variant has been classified as Pathogenic.

Institute of Human Genetics, Univ. Regensburg, Univ. Regensburg
Classification: Pathogenic for Retinal dystrophy. Last evaluated: 2021-01-01. Review status: criteria provided, single submitter. Criteria: ACMG Guidelines, 2015. Collection method: clinical testing. Allele origin: germline. Affected: yes.

Literature cited by the submitters: PubMed 25066811 (cited by Labcorp Genetics (formerly Invitae), Labcorp and Institute of Human Genetics, Univ. Regensburg, Univ. Regensburg); PubMed 28118664 (cited by Labcorp Genetics (formerly Invitae), Labcorp and Institute of Human Genetics, Univ. Regensburg, Univ. Regensburg); PubMed 30576320 (cited by Labcorp Genetics (formerly Invitae), Labcorp and Institute of Human Genetics, Univ. Regensburg, Univ. Regensburg); PubMed 31964843 (cited by Institute of Human Genetics, Univ. Regensburg, Univ. Regensburg); PubMed 32307445 (cited by Institute of Human Genetics, Univ. Regensburg, Univ. Regensburg).